The following is an entry in ClinVar:

ClinVar aggregate classification (germline): Benign/Likely benign. Review status: criteria provided, multiple submitters, no conflicts (2 of 4 stars). 4 submissions from 4 submitters: Benign (3); Likely benign (1). Last evaluated 2026-02-01.

Conditions:
Autosomal recessive congenital ichthyosis 2 (ARCI2). Identifiers: Orphanet 281122, Orphanet 79394, MedGen C3888093, MONDO:0009439, OMIM 242100.

Allele frequency attached by ClinVar (database versions not stated): gnomAD 0.00071 and 0.00094; TOPMed 0.00095; ExAC 0.00210; gnomAD exomes 0.00233; 1000 Genomes Project 0.00399; 1000 Genomes Project 30x 0.00406.
gnomAD v4.1: 1,240 of 1,614,174 alleles (0.077%); highest among the groups gnomAD compares: East Asian, 2.4%; 12 homozygotes.

Submissions (4):

Labcorp Genetics (formerly Invitae), Labcorp
Classification: Benign. Last evaluated: 2026-02-01. Review status: criteria provided, single submitter. Criteria: Invitae Variant Classification Sherloc (09022015). Collection method: clinical testing. Allele origin: germline.

Blueprint Genetics
Classification: Likely benign. Last evaluated: 2024-11-01. Review status: criteria provided, single submitter. Criteria: ACMG Guidelines, 2015. Collection method: clinical testing. Allele origin: germline.

Illumina Laboratory Services, Illumina
Classification: Benign for Autosomal recessive congenital ichthyosis 2. Last evaluated: 2018-01-13. Review status: criteria provided, single submitter. Criteria: ICSL Variant Classification Criteria 13 December 2019. Collection method: clinical testing. Allele origin: germline.
Comment: This variant was observed in the ICSL laboratory as part of a predisposition screen in an ostensibly healthy population. It had not been previously curated by ICSL or reported in the Human Gene Mutation Database (HGMD: prior to June 1st, 2018), and was therefore a candidate for classification through an automated scoring system. Utilizing variant allele frequency, disease prevalence and penetrance estimates, and inheritance mode, an automated score was calculated to assess if this variant is too frequent to cause the disease. Based on the score and internal cut-off values, a variant classified as benign is not then subjected to further curation. The score for this variant resulted in a classification of benign for this disease.

Breakthrough Genomics
Classification: Benign. Review status: criteria provided, single submitter. Criteria: ACMG Guidelines, 2015. Collection method: not provided. Allele origin: germline. Inheritance: Autosomal recessive inheritance. Affected: yes.

NM_001139.3(ALOX12B):c.222C>T (p.Tyr74=)

Gene: ALOX12B (arachidonate 12-lipoxygenase, 12R type; minus strand). Cytogenetic location: 17p13.1.
Variant type: single nucleotide variant.
Coding change: c.222C>T on transcript NM_001139.3 (MANE Select); coding-DNA position 222, C replaced by T.
Protein change: p.Tyr74=; no amino-acid change (tyrosine 74 retained).
Molecular consequence: synonymous variant.
Genome position (GRCh38, 1-based): chr17:8,086,146, G>A on the plus strand (C>T on the coding strand, the complement: ALOX12B is on the minus strand). VCF-style: chr17-8086146-G-A. GRCh37 (hg19) VCF-style: chr17-7989464-G-A.
Other names: c.222C>T, p.Tyr74= (LRG_1264t1).
Identifiers: ClinVar variation 325919 (VCV000325919.16), dbSNP rs74896368, ClinGen allele CA8367729.